The following is an entry in ClinVar:

ClinVar aggregate classification (germline): Likely benign (1 of 4 stars; one submission).

Submission:

CeGaT Center for Human Genetics Tuebingen
Classification: Likely benign. Last evaluated: 2026-03-01. Review status: criteria provided, single submitter. Criteria: CeGaT Center For Human Genetics Tuebingen Variant Classification Criteria Version 2. Collection method: clinical testing. Allele origin: germline. Affected: yes. Observed: 1 variant allele.
Comment: DHX9: BP4

NM_001357.5(DHX9):c.1088A>G (p.Asp363Gly)

Gene: DHX9 (DExH-box helicase 9; plus strand). Cytogenetic location: 1q25.3.
Variant type: single nucleotide variant.
Coding change: c.1088A>G on transcript NM_001357.5 (MANE Select); coding-DNA position 1088, A replaced by G.
Protein change: p.Asp363Gly; replaces aspartic acid 363 with glycine.
Molecular consequence: missense variant. On other transcripts: non-coding transcript variant (1).
Genome position (GRCh38, 1-based): chr1:182,859,065, A>G. VCF-style: chr1-182859065-A-G. GRCh37 (hg19) VCF-style: chr1-182828200-A-G.
Other names: short protein forms D363G.
Identifiers: ClinVar variation 4823474 (VCV004823474.4).
Genomic context (GRCh38, chr1:182,859,065, plus strand): 5'-CTTTTGTTTGACTATGTTGGCTTTTTGTTTTACAGGCTACTCCAGAGCAAATAAGCATGG[A>G]CCTCAAGAATGAATTGATGTACCAGTTGGAACAGGATCATGATTTGCAAGCAGTAAGTCT-3'
Protein context (NP_001348.2, residues 353-373): AFATPEQISM[Asp363Gly]LKNELMYQLE